The following is an entry in ClinVar:

NM_000135.4(FANCA):c.322C>T (p.Pro108Ser)

Gene: FANCA (FA complementation group A; minus strand). Cytogenetic location: 16q24.3.
Variant type: single nucleotide variant.
Coding change: c.322C>T on transcript NM_000135.4 (MANE Select); coding-DNA position 322, C replaced by T.
Protein change: p.Pro108Ser; replaces proline 108 with serine.
Molecular consequence: missense variant.
Genome position (GRCh38, 1-based): chr16:89,811,033, G>A on the plus strand (C>T on the coding strand, the complement: FANCA is on the minus strand). VCF-style: chr16-89811033-G-A. GRCh37 (hg19) VCF-style: chr16-89877441-G-A.
Other names: c.322C>T, p.Pro108Ser (NM_001018112.3, NM_001286167.3, NM_001351830.2); short protein forms P108S.
Identifiers: ClinVar variation 5036315 (VCV005036315.1).
Genomic context (GRCh38, chr16:89,811,033, plus strand): 5'-GAGCCGTGCAGATCTGTCCCACGCTAGAGGCAACCATCCCGGCTGAGAGAATACCCACGG[G>A]AACCCCCAGCCTTGAGGCTTGATCCTGCAAAGCAGAGCCTTAAACACAAAACAAAACCAT-3'
Protein context (NP_000126.2, residues 98-118): LQDQASRLGV[Pro108Ser]VGILSAGMVA

ClinVar aggregate classification (germline): Uncertain significance (1 of 4 stars; one submission).

Conditions:
Inborn genetic diseases. Identifiers: MedGen C0950123, MeSH D030342.

gnomAD v4.1: 1 of 1,614,026 alleles (0.000062%); no homozygotes.

Submission:

Ambry Genetics
Classification: Uncertain significance for Inborn genetic diseases. Last evaluated: 2026-06-20. Review status: criteria provided, single submitter. Criteria: Ambry Variant Classification Scheme 2023. Collection method: clinical testing. Allele origin: germline.
Comment: The p.P108S variant (also known as c.322C>T), located in coding exon 4 of the FANCA gene, results from a C to T substitution at nucleotide position 322. The proline at codon 108 is replaced by serine, an amino acid with similar properties. This amino acid position is conserved. In addition, the in silico prediction for this alteration is inconclusive. Based on the available evidence, the clinical significance of this variant remains unclear.